The following is an entry in ClinVar:

NM_001039348.3(EFEMP1):c.130+3G>A

Gene: EFEMP1 (EGF-like fibulin extracellular matrix protein 1; minus strand). Cytogenetic location: 2p16.1.
Variant type: single nucleotide variant.
Coding change: c.130+3G>A on transcript NM_001039348.3 (MANE Select); 3 bases into the intron after coding-DNA position 130, G replaced by A.
Molecular consequence: intron variant.
Genome position (GRCh38, 1-based): chr2:55,918,216, C>T on the plus strand (G>A on the coding strand, the complement: EFEMP1 is on the minus strand). VCF-style: chr2-55918216-C-T. GRCh37 (hg19) VCF-style: chr2-56145351-C-T.
Other names: c.130+3G>A (NM_001039349.3, NM_001039348.2).
Identifiers: ClinVar variation 1164714 (VCV001164714.11), dbSNP rs368526452, ClinGen allele CA1669017.

ClinVar aggregate classification (germline): Benign/Likely benign. Review status: criteria provided, multiple submitters, no conflicts (2 of 4 stars). 3 submissions from 3 submitters: Benign (1); Likely benign (2). Last evaluated 2025-09-21.

Conditions:
EFEMP1-related disorder. Also called: EFEMP1-related condition.

Allele frequency attached by ClinVar (database versions not stated): gnomAD exomes 0.00005 and 0.00014; ExAC 0.00019; ESP Exome Variant Server 0.00046; gnomAD 0.00058 and 0.00062; TOPMed 0.00069; 1000 Genomes Project 0.00080; 1000 Genomes Project 30x 0.00094.
gnomAD v4.1: 161 of 1,614,206 alleles (0.01%); highest among the groups gnomAD compares: African/African-American, 0.19%; 1 homozygote.

Submissions (3):

Labcorp Genetics (formerly Invitae), Labcorp
Classification: Benign. Last evaluated: 2025-09-21. Review status: criteria provided, single submitter. Criteria: Invitae Variant Classification Sherloc (09022015). Collection method: clinical testing. Allele origin: germline.

PreventionGenetics, part of Exact Sciences
Classification: Likely benign for EFEMP1-related condition. Last evaluated: 2025-06-08. Review status: criteria provided, single submitter. Criteria: ACMG Guidelines, 2015. Collection method: clinical testing. Allele origin: germline.
Comment: This variant is classified as likely benign based on ACMG/AMP sequence variant interpretation guidelines (Richards et al. 2015 PMID: 25741868, with internal and published modifications).

Blueprint Genetics
Classification: Likely benign. Last evaluated: 2023-08-29. Review status: criteria provided, single submitter. Criteria: ACMG Guidelines, 2015. Collection method: clinical testing. Allele origin: germline.